The following is an entry in ClinVar:

ClinVar aggregate classification (germline): Uncertain significance. Review status: criteria provided, multiple submitters, no conflicts (2 of 4 stars). 3 submissions from 3 submitters: Uncertain significance (3). Last evaluated 2024-11-25.

Conditions:
Cardiovascular phenotype. Identifiers: MedGen CN230736.
MYPN-related disorder. Also called: MYPN-related condition.
Dilated cardiomyopathy 1KK (CMD1KK). Identifiers: Orphanet 154, Orphanet 75249, MedGen C3714995, MONDO:0014100, OMIM 615248.

Allele frequency attached by ClinVar (database versions not stated): gnomAD 0.00001; gnomAD exomes 0.00001; TOPMed 0.00001.
gnomAD v4.1: 11 of 1,613,982 alleles (0.00068%); highest among the groups gnomAD compares: African/African-American, 0.0013%; no homozygotes.

Submissions (3):

PreventionGenetics, part of Exact Sciences
Classification: Uncertain significance for MYPN-related condition. Last evaluated: 2024-11-25. Review status: criteria provided, single submitter. Criteria: ACMG Guidelines, 2015. Collection method: clinical testing. Allele origin: germline.
Comment: The MYPN c.1918C>T variant is predicted to result in the amino acid substitution p.Pro640Ser. To our knowledge, this variant has not been reported in the literature or in a large population database (gnomAD), indicating this variant is rare. At this time, the clinical significance of this variant is uncertain due to the absence of conclusive functional and genetic evidence.

Ambry Genetics
Classification: Uncertain significance for Cardiovascular phenotype. Last evaluated: 2022-09-05. Review status: criteria provided, single submitter. Criteria: Ambry Variant Classification Scheme 2023. Collection method: clinical testing. Allele origin: germline.
Comment: The p.P640S variant (also known as c.1918C>T), located in coding exon 9 of the MYPN gene, results from a C to T substitution at nucleotide position 1918. The proline at codon 640 is replaced by serine, an amino acid with similar properties. This amino acid position is conserved. In addition, this alteration is predicted to be tolerated by in silico analysis. Since supporting evidence is limited at this time, the clinical significance of this alteration remains unclear.

Labcorp Genetics (formerly Invitae), Labcorp
Classification: Uncertain significance for Dilated cardiomyopathy 1KK. Last evaluated: 2021-11-18. Review status: criteria provided, single submitter. Criteria: Invitae Variant Classification Sherloc (09022015). Collection method: clinical testing. Allele origin: germline.
Comment: This sequence change replaces proline, which is neutral and non-polar, with serine, which is neutral and polar, at codon 640 of the MYPN protein (p.Pro640Ser). This variant is not present in population databases (gnomAD no frequency). This variant has not been reported in the literature in individuals affected with MYPN-related conditions. Algorithms developed to predict the effect of missense changes on protein structure and function output the following: SIFT: "Tolerated"; PolyPhen-2: "Benign"; Align-GVGD: "Class C0". The serine amino acid residue is found in multiple mammalian species, which suggests that this missense change does not adversely affect protein function. In summary, the available evidence is currently insufficient to determine the role of this variant in disease. Therefore, it has been classified as a Variant of Uncertain Significance.

NM_032578.4(MYPN):c.1918C>T (p.Pro640Ser)

Gene: MYPN (myopalladin; plus strand). Cytogenetic location: 10q21.3.
Variant type: single nucleotide variant.
Coding change: c.1918C>T on transcript NM_032578.4 (MANE Select); coding-DNA position 1918, C replaced by T.
Protein change: p.Pro640Ser; replaces proline 640 with serine.
Molecular consequence: missense variant. On other transcripts: non-coding transcript variant (2).
Genome position (GRCh38, 1-based): chr10:68,166,611, C>T. VCF-style: chr10-68166611-C-T. GRCh37 (hg19) VCF-style: chr10-69926368-C-T.
Other names: c.1918C>T (NM_032578.3); c.1918C>T, p.Pro640Ser (NM_001256267.2); c.1036C>T, p.Pro346Ser (NM_001256268.2); short protein forms P640S, P346S.
Identifiers: ClinVar variation 1359839 (VCV001359839.6), dbSNP rs908222513, ClinGen allele CA208193013.